The following is an entry in ClinVar:

NM_000388.4(CASR):c.2576T>C (p.Ile859Thr)

Gene: CASR (calcium sensing receptor; plus strand). Cytogenetic location: 3q21.1.
Variant type: single nucleotide variant.
Coding change: c.2576T>C on transcript NM_000388.4 (MANE Select); coding-DNA position 2576, T replaced by C.
Protein change: p.Ile859Thr; replaces isoleucine 859 with threonine.
Molecular consequence: missense variant.
Genome position (GRCh38, 1-based): chr3:122,284,530, T>C. VCF-style: chr3-122284530-T-C. GRCh37 (hg19) VCF-style: chr3-122003377-T-C.
Other names: p.Ile859Thr; c.2606T>C, p.Ile869Thr (NM_001178065.2); short protein forms I859T, I869T.
Identifiers: ClinVar variation 2682843 (VCV002682843.1), dbSNP rs2107650756, ClinGen allele CA354160327.

ClinVar aggregate classification (germline): Uncertain significance (1 of 4 stars; one submission).

Submission:

Mayo Clinic Laboratories, Mayo Clinic
Classification: Uncertain significance. Last evaluated: 2022-12-19. Review status: criteria provided, single submitter. Criteria: ACMG Guidelines, 2015. Collection method: clinical testing. Allele origin: germline. Observed: 1 variant allele.
Comment: PP2, PP3, PM2_supporting